The following is an entry in ClinVar:

ClinVar aggregate classification (germline): Uncertain significance (1 of 4 stars; one submission).

Conditions:
Hereditary cancer-predisposing syndrome. Also called: Neoplastic Syndromes, Hereditary; Tumor predisposition; Hereditary neoplastic syndrome; Hereditary Cancer Syndrome. Identifiers: Orphanet 140162, MedGen C0027672, MeSH D009386, MONDO:0015356.

Submission:

Ambry Genetics
Classification: Uncertain significance for Hereditary cancer-predisposing syndrome. Last evaluated: 2026-07-07. Review status: criteria provided, single submitter. Criteria: Ambry Variant Classification Scheme 2023. Collection method: clinical testing. Allele origin: germline.
Comment: The p.S637P variant (also known as c.1909T>C), located in coding exon 6 of the MET gene, results from a T to C substitution at nucleotide position 1909. The serine at codon 637 is replaced by proline, an amino acid with similar properties. This amino acid position is conserved. In addition, this alteration is predicted to be deleterious by in silico analysis. Based on the available evidence, the clinical significance of this variant remains unclear.

NM_000245.4(MET):c.1909T>C (p.Ser637Pro)

Gene: MET (MET proto-oncogene, receptor tyrosine kinase; plus strand). Cytogenetic location: 7q31.2.
Variant type: single nucleotide variant.
Coding change: c.1909T>C on transcript NM_000245.4 (MANE Select); coding-DNA position 1909, T replaced by C.
Protein change: p.Ser637Pro; replaces serine 637 with proline.
Molecular consequence: missense variant.
Genome position (GRCh38, 1-based): chr7:116,757,483, T>C. VCF-style: chr7-116757483-T-C. GRCh37 (hg19) VCF-style: chr7-116397537-T-C.
Other names: c.1909T>C, p.Ser637Pro (NM_001127500.3, NM_001324401.3); c.619T>C, p.Ser207Pro (NM_001324402.2); short protein forms S207P, S637P.
Identifiers: ClinVar variation 5024375 (VCV005024375.1).